The following is an entry in ClinVar:

NC_000012.11:g.(?_7169217)_(7175095_?)del

Gene: C1S (complement C1s; plus strand). Cytogenetic location: 12p13.31.
Variant type: Deletion.
Identifiers: ClinVar variation 2427687 (VCV002427687.4).

ClinVar aggregate classification (germline): Uncertain significance (1 of 4 stars; one submission).

Submission:

Labcorp Genetics (formerly Invitae), Labcorp
Classification: Uncertain significance. Last evaluated: 2022-01-11. Review status: criteria provided, single submitter. Criteria: Invitae Variant Classification Sherloc (09022015). Collection method: clinical testing. Allele origin: germline.
Comment: In summary, the available evidence is currently insufficient to determine the role of this variant in disease. Therefore, it has been classified as a Variant of Uncertain Significance. Experimental studies and prediction algorithms are not available or were not evaluated, and the functional significance of this variant is currently unknown. This variant has not been reported in the literature in individuals affected with C1S-related conditions. This sequence change is a complex rearrangement involving exons 2-10 of the C1S gene. It does not change the copy number of any exons. Although the exact nature of the event is unknown, it is likely that this is a large inversion event including exons 2-10, that would either disrupt the transcription or result in a truncated protein product. However, the current clinical and genetic evidence is not sufficient to establish whether loss-of-function variants in C1S cause disease.